The following is an entry in ClinVar:

ClinVar aggregate classification (germline): Conflicting classifications of pathogenicity. Review status: criteria provided, conflicting classifications (1 of 4 stars). 4 submissions from 4 submitters: Uncertain significance (3); Likely benign (1). Last evaluated 2025-12-07.

Conditions:
Hypokalemic periodic paralysis, type 1. Also called: HypoPP; Hypokalemic Periodic Paralysis Type 1 (AD). Identifiers: Orphanet 681, MedGen C3714580, MONDO:0042979, OMIM 170400.
Malignant hyperthermia, susceptibility to, 5 (MHS5). Also called: CACNA1S-Related Malignant Hyperthermia Susceptibility. Identifiers: Orphanet 423, MedGen C1866077, MONDO:0011163, OMIM 601887.

Allele frequency attached by ClinVar (database versions not stated): ExAC 0.00002; TOPMed 0.00003; gnomAD exomes 0.00004; gnomAD 0.00001.
gnomAD v4.1: 64 of 1,614,000 alleles (0.004%); highest among the groups gnomAD compares: Middle Eastern, 0.016%; no homozygotes.

Submissions (4):

Labcorp Genetics (formerly Invitae), Labcorp
Classification: Likely benign for Hypokalemic periodic paralysis, type 1; Malignant hyperthermia, susceptibility to, 5. Last evaluated: 2025-12-07. Review status: criteria provided, single submitter. Criteria: Invitae Variant Classification Sherloc (09022015). Collection method: clinical testing. Allele origin: germline.

All of Us Research Program, National Institutes of Health
Classification: Uncertain significance for Malignant hyperthermia, susceptibility to, 5. Last evaluated: 2024-06-09. Review status: criteria provided, single submitter. Criteria: ACMG Guidelines, 2015. Collection method: clinical testing. Allele origin: germline. Inheritance: Autosomal dominant inheritance. Observed: 12 variant alleles, 12 heterozygotes.
Comment: This missense variant replaces alanine with threonine at codon 1669 of the CACNA1S protein. Computational prediction suggests that this variant may not impact protein structure and function (internally defined REVEL score threshold <= 0.5, PMID: 27666373). To our knowledge, functional studies have not been reported for this variant. This variant has not been reported in individuals affected with CACNA1S-related disorders in the literature. This variant has been identified in 12/251276 chromosomes in the general population by the Genome Aggregation Database (gnomAD). The available evidence is insufficient to determine the role of this variant in disease conclusively. Therefore, this variant is classified as a Variant of Uncertain Significance.

This study involves interpretation of variants in research participants for the purpose of population health screening. Participant phenotype was not available at the time of variant classification. Additional details can be found in publication PMID: 35346344, PMCID: PMC8962531

Color Diagnostics, LLC DBA Color Health
Classification: Uncertain significance for Malignant hyperthermia, susceptibility to, 5. Last evaluated: 2024-04-17. Review status: criteria provided, single submitter. Criteria: ACMG Guidelines, 2015. Collection method: clinical testing. Allele origin: germline.
Comment: This missense variant replaces alanine with threonine at codon 1669 of the CACNA1S protein. Computational prediction suggests that this variant may not impact protein structure and function. To our knowledge, functional studies have not been reported for this variant. This variant has not been reported in individuals affected with CACNA1S-related disorders in the literature. This variant has been identified in 12/251276 chromosomes in the general population by the Genome Aggregation Database (gnomAD). The available evidence is insufficient to determine the role of this variant in disease conclusively. Therefore, this variant is classified as a Variant of Uncertain Significance.

CeGaT Center for Human Genetics Tuebingen
Classification: Uncertain significance. Last evaluated: 2022-04-01. Review status: criteria provided, single submitter. Criteria: CeGaT Center For Human Genetics Tuebingen Variant Classification Criteria Version 2. Collection method: clinical testing. Allele origin: germline. Affected: yes. Observed: 1 variant allele.

NM_000069.3(CACNA1S):c.5005G>A (p.Ala1669Thr)

Gene: CACNA1S (calcium voltage-gated channel subunit alpha1 S; minus strand). Cytogenetic location: 1q32.1.
Variant type: single nucleotide variant.
Coding change: c.5005G>A on transcript NM_000069.3 (MANE Select); coding-DNA position 5005, G replaced by A.
Protein change: p.Ala1669Thr; replaces alanine 1669 with threonine.
Molecular consequence: missense variant.
Genome position (GRCh38, 1-based): chr1:201,043,324, C>T on the plus strand (G>A on the coding strand, the complement: CACNA1S is on the minus strand). VCF-style: chr1-201043324-C-T. GRCh37 (hg19) VCF-style: chr1-201012452-C-T.
Other names: short protein forms A1669T.
Identifiers: ClinVar variation 2047865 (VCV002047865.32), dbSNP rs199989324, ClinGen allele CA004070.